The following is an entry in ClinVar:

NM_001357734.3(EIF2S3B):c.839G>A (p.Gly280Asp)

Gene: EIF2S3B (eukaryotic translation initiation factor 2 subunit gamma B; plus strand). Cytogenetic location: 12p13.2.
Variant type: single nucleotide variant.
Coding change: c.839G>A on transcript NM_001357734.3 (MANE Select); coding-DNA position 839, G replaced by A.
Protein change: p.Gly280Asp; replaces glycine 280 with aspartic acid.
Molecular consequence: missense variant.
Genome position (GRCh38, 1-based): chr12:10,506,741, G>A. VCF-style: chr12-10506741-G-A. GRCh37 (hg19) VCF-style: chr12-10659340-G-A.
Other names: c.839G>A, p.Gly280Asp (NM_001357731.1); short protein forms G280D.
Identifiers: ClinVar variation 2642701 (VCV002642701.24), dbSNP rs199779592, ClinGen allele CA6446540.

ClinVar aggregate classification (germline): Likely benign (1 of 4 stars; one submission).

Allele frequency attached by ClinVar (database versions not stated): TOPMed 0.00362; 1000 Genomes Project 0.00040; 1000 Genomes Project 30x 0.00047; ExAC 0.00329; gnomAD 0.00348.
gnomAD v4.1: 8,819 of 1,614,002 alleles (0.55%); highest among the groups gnomAD compares: Non-Finnish European, 0.69%; 30 homozygotes.

Submission:

CeGaT Center for Human Genetics Tuebingen
Classification: Likely benign. Last evaluated: 2023-04-01. Review status: criteria provided, single submitter. Criteria: CeGaT Center For Human Genetics Tuebingen Variant Classification Criteria Version 2. Collection method: clinical testing. Allele origin: germline. Affected: yes. Observed: 1 variant allele.
Comment: EIF2S3B: BP4, BS2